The following is an entry in ClinVar:

NM_006648.4(WNK2):c.5433C>A (p.Asp1811Glu)

Gene: WNK2 (WNK lysine deficient protein kinase 2; plus strand). Cytogenetic location: 9q22.31.
Variant type: single nucleotide variant.
Coding change: c.5433C>A on transcript NM_006648.4 (MANE Select); coding-DNA position 5433, C replaced by A.
Protein change: p.Asp1811Glu; replaces aspartic acid 1811 with glutamic acid.
Molecular consequence: missense variant.
Genome position (GRCh38, 1-based): chr9:93,292,898, C>A. VCF-style: chr9-93292898-C-A. GRCh37 (hg19) VCF-style: chr9-96055180-C-A.
Other names: c.5544C>A, p.Asp1848Glu (NM_001282394.3); short protein forms D1848E, D1811E.
Identifiers: ClinVar variation 4201630 (VCV004201630.1).

ClinVar aggregate classification (germline): Uncertain significance (1 of 4 stars; one submission).

gnomAD v4.1: 42 of 1,518,404 alleles (0.0028%); highest among the groups gnomAD compares: Non-Finnish European, 0.0036%; no homozygotes.

Submission:

Ambry Genetics
Classification: Uncertain significance. Last evaluated: 2025-07-16. Review status: criteria provided, single submitter. Criteria: Ambry Variant Classification Scheme 2023. Collection method: clinical testing. Allele origin: germline.
Comment: The p.D1811E variant (also known as c.5433C>A), located in coding exon 22 of the WNK2 gene, results from a C to A substitution at nucleotide position 5433. The aspartic acid at codon 1811 is replaced by glutamic acid, an amino acid with highly similar properties. This amino acid position is conserved. In addition, this alteration is predicted to be tolerated by in silico analysis. Based on the available evidence, the clinical significance of this variant remains unclear.